The following is an entry in ClinVar:

NM_198253.3(TERT):c.2113G>A (p.Glu705Lys)

Gene: TERT (telomerase reverse transcriptase; minus strand). Cytogenetic location: 5p15.33.
Variant type: single nucleotide variant.
Coding change: c.2113G>A on transcript NM_198253.3 (MANE Select); coding-DNA position 2113, G replaced by A.
Protein change: p.Glu705Lys; replaces glutamic acid 705 with lysine.
Molecular consequence: missense variant. On other transcripts: non-coding transcript variant (2).
Genome position (GRCh38, 1-based): chr5:1,279,308, C>T on the plus strand (G>A on the coding strand, the complement: TERT is on the minus strand). VCF-style: chr5-1279308-C-T. GRCh37 (hg19) VCF-style: chr5-1279423-C-T.
Other names: c.2113G>A, p.Glu705Lys (NM_001193376.3, NM_003219.1); short protein forms E705K.
Identifiers: ClinVar variation 2167121 (VCV002167121.5), dbSNP rs2478274631, ClinGen allele CA359080037.

ClinVar aggregate classification (germline): Conflicting classifications of pathogenicity. Review status: criteria provided, conflicting classifications (1 of 4 stars). 2 submissions from 2 submitters: Uncertain significance (1); Likely benign (1). Last evaluated 2023-10-15.

Conditions:
Idiopathic Pulmonary Fibrosis. Also called: Idiopathic fibrosing alveolitis, chronic form; idiopathic fibrosing alveolitis. Identifiers: Orphanet 2032, MedGen C1800706, MeSH D054990, MONDO:0800504.
Dyskeratosis congenita, autosomal dominant 2. Identifiers: MedGen C3151443, MONDO:0013521, OMIM 613989.
Dyskeratosis congenita. Identifiers: Orphanet 1775, MedGen C0265965, MONDO:0015780.

Allele frequency attached by ClinVar (database versions not stated): gnomAD exomes below 0.00001.
gnomAD v4.1: 1 of 1,583,812 alleles (0.000063%); highest among the groups gnomAD compares: Non-Finnish European, 0.000086%; no homozygotes.

Submissions (2):

Ambry Genetics
Classification: Likely benign for Dyskeratosis congenita. Last evaluated: 2023-10-15. Review status: criteria provided, single submitter. Criteria: Ambry Variant Classification Scheme 2023. Collection method: clinical testing. Allele origin: germline.

Labcorp Genetics (formerly Invitae), Labcorp
Classification: Uncertain significance for Dyskeratosis congenita, autosomal dominant 2; Idiopathic Pulmonary Fibrosis. Last evaluated: 2022-08-30. Review status: criteria provided, single submitter. Criteria: Invitae Variant Classification Sherloc (09022015). Collection method: clinical testing. Allele origin: germline.
Comment: Advanced modeling of protein sequence and biophysical properties (such as structural, functional, and spatial information, amino acid conservation, physicochemical variation, residue mobility, and thermodynamic stability) performed at Invitae indicates that this missense variant is not expected to disrupt TERT protein function. This variant has not been reported in the literature in individuals affected with TERT-related conditions. This variant is not present in population databases (gnomAD no frequency). This sequence change replaces glutamic acid, which is acidic and polar, with lysine, which is basic and polar, at codon 705 of the TERT protein (p.Glu705Lys). In summary, the available evidence is currently insufficient to determine the role of this variant in disease. Therefore, it has been classified as a Variant of Uncertain Significance.